The following is an entry in ClinVar:

NM_024675.3:c.(3201+1_3202-1)_(3350+1_3351-1)dup

Gene: PALB2 (partner and localizer of BRCA2; minus strand).
Variant type: Duplication.
Identifiers: ClinVar variation 1065554 (VCV001065554.1).

ClinVar aggregate classification (germline): Pathogenic (1 of 4 stars; one submission).

Conditions:
Hereditary cancer-predisposing syndrome. Also called: Hereditary Cancer Syndrome; Hereditary neoplastic syndrome; Neoplastic Syndromes, Hereditary; Tumor predisposition. Identifiers: Orphanet 140162, MedGen C0027672, MeSH D009386, MONDO:0015356.

Submission:

Ambry Genetics
Classification: Pathogenic for Hereditary cancer-predisposing syndrome. Last evaluated: 2020-06-30. Review status: criteria provided, single submitter. Criteria: Ambry Autosomal Dominant and X-Linked criteria (2/2020). Collection method: clinical testing. Allele origin: germline. Observed: 1 variant allele.
Comment: The EX12dup gross duplication spans coding exon 12 of the PALB2 gene; however, the exact breakpoints of the duplication were not determined. This duplication has been confirmed in tandem in at least one proband and is predicted to result in a translational frameshift with an alternate stop codon (Ambry internal data). This alteration is expected to result in loss of function by premature protein truncation or a transcript that is subject to nonsense-mediated mRNA decay. As such, this alteration is interpreted as a disease-causing mutation.